The following is an entry in ClinVar:

NM_005529.7(HSPG2):c.1450G>A (p.Ala484Thr)

Gene: HSPG2 (heparan sulfate proteoglycan 2; minus strand). Cytogenetic location: 1p36.12.
Variant type: single nucleotide variant.
Coding change: c.1450G>A on transcript NM_005529.7 (MANE Select); coding-DNA position 1450, G replaced by A.
Protein change: p.Ala484Thr; replaces alanine 484 with threonine.
Molecular consequence: missense variant.
Genome position (GRCh38, 1-based): chr1:21,884,824, C>T on the plus strand (G>A on the coding strand, the complement: HSPG2 is on the minus strand). VCF-style: chr1-21884824-C-T. GRCh37 (hg19) VCF-style: chr1-22211317-C-T.
Other names: c.1450G>A, p.Ala484Thr (NM_001291860.2); c.1450G>A (NM_005529.5); short protein forms A484T.
Identifiers: ClinVar variation 2159203 (VCV002159203.4), dbSNP rs1266949028, ClinGen allele CA338966969.

ClinVar aggregate classification (germline): Uncertain significance. Review status: criteria provided, multiple submitters, no conflicts (2 of 4 stars). 2 submissions from 2 submitters: Uncertain significance (2). Last evaluated 2022-02-24.

Allele frequency attached by ClinVar (database versions not stated): TOPMed 0.00003; gnomAD 0.00004; gnomAD exomes 0.00008.
gnomAD v4.1: 123 of 1,613,842 alleles (0.0076%); highest among the groups gnomAD compares: Middle Eastern, 0.033%; no homozygotes.

Submissions (2):

Labcorp Genetics (formerly Invitae), Labcorp
Classification: Uncertain significance. Last evaluated: 2022-02-24. Review status: criteria provided, single submitter. Criteria: Invitae Variant Classification Sherloc (09022015). Collection method: clinical testing. Allele origin: germline.
Comment: This sequence change replaces alanine, which is neutral and non-polar, with threonine, which is neutral and polar, at codon 484 of the HSPG2 protein (p.Ala484Thr). This variant is present in population databases (no rsID available, gnomAD 0.004%). This variant has not been reported in the literature in individuals affected with HSPG2-related conditions. Algorithms developed to predict the effect of missense changes on protein structure and function output the following: SIFT: "Tolerated"; PolyPhen-2: "Benign"; Align-GVGD: "Class C0". The threonine amino acid residue is found in multiple mammalian species, which suggests that this missense change does not adversely affect protein function. In summary, the available evidence is currently insufficient to determine the role of this variant in disease. Therefore, it has been classified as a Variant of Uncertain Significance.

Revvity Omics, Revvity
Classification: Uncertain significance. Last evaluated: 2019-04-10. Review status: criteria provided, single submitter. Criteria: ACMG Guidelines, 2015. Collection method: clinical testing. Allele origin: germline.